The following is an entry in ClinVar:

NM_001330588.2(TPP2):c.3755C>G (p.Pro1252Arg)

Gene: TPP2 (tripeptidyl peptidase 2; plus strand). Cytogenetic location: 13q33.1.
Variant type: single nucleotide variant.
Coding change: c.3755C>G on transcript NM_001330588.2 (MANE Select); coding-DNA position 3755, C replaced by G.
Protein change: p.Pro1252Arg; replaces proline 1252 with arginine.
Molecular consequence: missense variant. On other transcripts: non-coding transcript variant (1).
Genome position (GRCh38, 1-based): chr13:102,678,282, C>G. VCF-style: chr13-102678282-C-G. GRCh37 (hg19) VCF-style: chr13-103330632-C-G.
Other names: c.3842C>G, p.Pro1281Arg (NM_001367947.1); c.3716C>G, p.Pro1239Arg (NM_003291.4); short protein forms P1239R, P1252R, P1281R.
Identifiers: ClinVar variation 934495 (VCV000934495.10), dbSNP rs772542838, ClinGen allele CA7038348.

ClinVar aggregate classification (germline): Uncertain significance. Review status: criteria provided, multiple submitters, no conflicts (2 of 4 stars). 2 submissions from 2 submitters: Uncertain significance (2). Last evaluated 2024-05-03.

Conditions:
Evans syndrome, immunodeficiency, and premature immunosenescence associated with tripeptidyl-peptidase II deficiency. Identifiers: MedGen CN231723. Disease mechanism: loss of function.

Allele frequency attached by ClinVar (database versions not stated): gnomAD exomes below 0.00001; TOPMed below 0.00001; ExAC 0.00001.

Submissions (2):

Women's Health and Genetics/Laboratory Corporation of America, LabCorp
Classification: Uncertain significance. Last evaluated: 2024-05-03. Review status: criteria provided, single submitter. Criteria: LabCorp Variant Classification Summary - May 2015. Collection method: clinical testing. Allele origin: germline.
Comment: Variant summary: TPP2 c.3716C>G (p.Pro1239Arg) results in a non-conservative amino acid change in the encoded protein sequence. Three of five in-silico tools predict a damaging effect of the variant on protein function. The variant allele was found at a frequency of 4e-06 in 251220 control chromosomes. The available data on variant occurrences in the general population are insufficient to allow any conclusion about variant significance. To our knowledge, no occurrence of c.3716C>G in individuals affected with Immunodeficiency 78 With Autoimmunity And Developmental Delay and no experimental evidence demonstrating its impact on protein function have been reported. ClinVar contains an entry for this variant (Variation ID: 934495). Based on the evidence outlined above, the variant was classified as uncertain significance.

Labcorp Genetics (formerly Invitae), Labcorp
Classification: Uncertain significance for Evans syndrome, immunodeficiency, and premature immunosenescence associated with tripeptidyl-peptidase II deficiency. Last evaluated: 2019-08-28. Review status: criteria provided, single submitter. Criteria: Invitae Variant Classification Sherloc (09022015). Collection method: clinical testing. Allele origin: germline.
Comment: In summary, the available evidence is currently insufficient to determine the role of this variant in disease. Therefore, it has been classified as a Variant of Uncertain Significance. Algorithms developed to predict the effect of missense changes on protein structure and function are either unavailable or do not agree on the potential impact of this missense change (SIFT: "Deleterious"; PolyPhen-2: "Possibly Damaging"; Align-GVGD: "Class C0"). This variant has not been reported in the literature in individuals with TPP2-related conditions. This variant is present in population databases (rs772542838, ExAC 0.002%). This sequence change replaces proline with arginine at codon 1239 of the TPP2 protein (p.Pro1239Arg). The proline residue is moderately conserved and there is a moderate physicochemical difference between proline and arginine.